The following is an entry in ClinVar:

NM_007272.3(CTRC):c.625A>G (p.Ile209Val)

Gene: CTRC (chymotrypsin C; plus strand). Cytogenetic location: 1p36.21.
Variant type: single nucleotide variant.
Coding change: c.625A>G on transcript NM_007272.3 (MANE Select); coding-DNA position 625, A replaced by G.
Protein change: p.Ile209Val; replaces isoleucine 209 with valine.
Molecular consequence: missense variant.
Genome position (GRCh38, 1-based): chr1:15,444,737, A>G. VCF-style: chr1-15444737-A-G. GRCh37 (hg19) VCF-style: chr1-15771232-A-G.
Other names: short protein forms I209V.
Identifiers: ClinVar variation 1752475 (VCV001752475.8), dbSNP rs778850385, ClinGen allele CA613399.
Genomic context (GRCh38, chr1:15,444,737, plus strand): 5'-ATTGACTGGTGGGGCTTCAGGGTGAAGAAAACCATGGTGTGCGCTGGGGGCGATGGCGTC[A>G]TCTCAGCCTGCAATGTGAGTGGCTAGGTTCTGCACCTTGTCCCTACTCCAAGTGGCCAAG-3'
Protein context (NP_009203.2, residues 199-219): TMVCAGGDGV[Ile209Val]SACNGDSGGP

ClinVar aggregate classification (germline): Uncertain significance. Review status: criteria provided, multiple submitters, no conflicts (2 of 4 stars). 2 submissions from 2 submitters: Uncertain significance (2). Last evaluated 2024-04-09.

Conditions:
Hereditary pancreatitis (PCTT). Also called: Hereditary chronic pancreatitis; PRSS1-Related Hereditary Pancreatitis. Identifiers: Orphanet 676, MedGen C0238339, MONDO:0008185, OMIM 167800.

Allele frequency attached by ClinVar (database versions not stated): ExAC 0.00001; TOPMed 0.00003.
gnomAD v4.1: 4 of 1,614,204 alleles (0.00025%); highest among the groups gnomAD compares: Non-Finnish European, 0.00034%; no homozygotes.

Submissions (2):

Ambry Genetics
Classification: Uncertain significance for Hereditary pancreatitis. Last evaluated: 2024-04-09. Review status: criteria provided, single submitter. Criteria: Ambry Variant Classification Scheme 2023. Collection method: clinical testing. Allele origin: germline.
Comment: The p.I209V variant (also known as c.625A>G), located in coding exon 6 of the CTRC gene, results from an A to G substitution at nucleotide position 625. The isoleucine at codon 209 is replaced by valine, an amino acid with highly similar properties. This amino acid position is conserved. In addition, this alteration is predicted to be tolerated by in silico analysis. Since supporting evidence is limited at this time, the clinical significance of this alteration remains unclear.

Labcorp Genetics (formerly Invitae), Labcorp
Classification: Uncertain significance for Hereditary pancreatitis. Last evaluated: 2023-07-17. Review status: criteria provided, single submitter. Criteria: Invitae Variant Classification Sherloc (09022015). Collection method: clinical testing. Allele origin: germline.
Comment: This sequence change replaces isoleucine, which is neutral and non-polar, with valine, which is neutral and non-polar, at codon 209 of the CTRC protein (p.Ile209Val). In summary, the available evidence is currently insufficient to determine the role of this variant in disease. Therefore, it has been classified as a Variant of Uncertain Significance. Advanced modeling of protein sequence and biophysical properties (such as structural, functional, and spatial information, amino acid conservation, physicochemical variation, residue mobility, and thermodynamic stability) performed at Invitae indicates that this missense variant is not expected to disrupt CTRC protein function. ClinVar contains an entry for this variant (Variation ID: 1752475). This variant has not been reported in the literature in individuals affected with CTRC-related conditions. This variant is present in population databases (rs778850385, gnomAD 0.0009%).